The following is an entry in ClinVar:

ClinVar aggregate classification (germline): Conflicting classifications of pathogenicity. Review status: criteria provided, conflicting classifications (1 of 4 stars). 2 submissions from 2 submitters: Pathogenic (1); Uncertain significance (1). Last evaluated 2024-01-11.

Conditions:
Familial thoracic aortic aneurysm and aortic dissection (TAAD). Also called: Thoracic aortic aneurysms and dissections. Identifiers: Orphanet 91387, MedGen C4707243, MONDO:0019625.
Marfan syndrome (MFS). Also called: FBN1-Related Marfan Syndrome; Marfan syndrome type 1; Marfan's syndrome; Marfan syndrome, classic; MARFAN SYNDROME, TYPE I. Identifiers: Orphanet 284963, Orphanet 558, MedGen C0024796, MONDO:0007947, OMIM 154700.

Allele frequency attached by ClinVar (database versions not stated): gnomAD exomes below 0.00001; gnomAD 0.00001.
gnomAD v4.1: 2 of 1,614,024 alleles (0.00012%); highest among the groups gnomAD compares: Non-Finnish European, 0.00017%; no homozygotes.

Submissions (2):

Labcorp Genetics (formerly Invitae), Labcorp
Classification: Pathogenic for Marfan syndrome; Familial thoracic aortic aneurysm and aortic dissection. Last evaluated: 2024-01-11. Review status: criteria provided, single submitter. Criteria: Invitae Variant Classification Sherloc (09022015). Collection method: clinical testing. Allele origin: germline.
Comment: This sequence change replaces glycine, which is neutral and non-polar, with arginine, which is basic and polar, at codon 2395 of the FBN1 protein (p.Gly2395Arg). This variant is present in population databases (no rsID available, gnomAD 0.007%). This missense change has been observed in individuals with FBN1-related conditions (PMID: 29510914; Invitae). ClinVar contains an entry for this variant (Variation ID: 633209). Advanced modeling of protein sequence and biophysical properties (such as structural, functional, and spatial information, amino acid conservation, physicochemical variation, residue mobility, and thermodynamic stability) performed at Invitae indicates that this missense variant is expected to disrupt FBN1 protein function with a positive predictive value of 95%. This variant disrupts the p.Gly2395 amino acid residue in FBN1. Other variant(s) that disrupt this residue have been determined to be pathogenic (Invitae). This suggests that this residue is clinically significant, and that variants that disrupt this residue are likely to be disease-causing. For these reasons, this variant has been classified as Pathogenic.

Women's Health and Genetics/Laboratory Corporation of America, LabCorp
Classification: Uncertain significance. Last evaluated: 2018-12-03. Review status: criteria provided, single submitter. Criteria: LabCorp Variant Classification Summary - May 2015. Collection method: clinical testing. Allele origin: germline.
Comment: Variant summary: FBN1 c.7183G>A (p.Gly2395Arg) results in a non-conservative amino acid change in the encoded protein sequence. Five of five in-silico tools predict a damaging effect of the variant on protein function. The variant allele was found at a frequency of 3.2e-05 in 30978 control chromosomes (gnomAD). The available data on variant occurrences in the general population are insufficient to allow any conclusion about variant significance. c.7183G>A has been reported in the literature in an individual referred for vascular genetic testing (Hicks_2018). This report does not provide an unequivocal conclusion about association of the variant with a phenotype of Marfan Syndrome and/or aortic and arterial aneurysms and dissections. To our knowledge, no experimental evidence demonstrating an impact on protein function has been reported. No clinical diagnostic laboratories have submitted clinical-significance assessments for this variant to ClinVar after 2014. Based on the evidence outlined above, the variant was classified as uncertain significance.

Literature cited by the submitters: PubMed 29510914 (cited by Labcorp Genetics (formerly Invitae), Labcorp and Women's Health and Genetics/Laboratory Corporation of America, LabCorp).

NM_000138.5(FBN1):c.7183G>A (p.Gly2395Arg)

Gene: FBN1 (fibrillin 1; minus strand). Cytogenetic location: 15q21.1.
Variant type: single nucleotide variant.
Coding change: c.7183G>A on transcript NM_000138.5 (MANE Select); coding-DNA position 7183, G replaced by A.
Protein change: p.Gly2395Arg; replaces glycine 2395 with arginine.
Molecular consequence: missense variant.
Genome position (GRCh38, 1-based): chr15:48,427,588, C>T on the plus strand (G>A on the coding strand, the complement: FBN1 is on the minus strand). VCF-style: chr15-48427588-C-T. GRCh37 (hg19) VCF-style: chr15-48719785-C-T.
Other names: short protein forms G2395R.
Identifiers: ClinVar variation 633209 (VCV000633209.4), dbSNP rs1448650040, ClinGen allele CA392329174.